The following is an entry in ClinVar:

NM_001032382.2(PQBP1):c.640C>T (p.Arg214Trp)

Genes: PQBP1 (polyglutamine binding protein 1; plus strand), SLC35A2 (solute carrier family 35 member A2; minus strand). Cytogenetic location: Xp11.23.
Variant type: single nucleotide variant.
Coding change: c.640C>T on transcript NM_001032382.2 (MANE Select); coding-DNA position 640, C replaced by T.
Protein change: p.Arg214Trp; replaces arginine 214 with tryptophan.
Molecular consequence: missense variant.
Genome position (GRCh38, 1-based): chrX:48,902,794, C>T. VCF-style: chrX-48902794-C-T. GRCh37 (hg19) VCF-style: chrX-48760071-C-T.
Other names: c.640C>T, p.Arg214Trp (NM_001032381.2, NM_001032383.2, NM_001032384.1 and 1 more transcripts); c.637C>T, p.Arg213Trp (NM_001167989.2); c.616C>T, p.Arg206Trp (NM_001167990.2); c.340C>T, p.Arg114Trp (NM_001167992.1); c.355C>T, p.Arg119Trp (NM_144495.3); short protein forms R114W, R119W, R206W, R213W, R214W.
Identifiers: ClinVar variation 1308367 (VCV001308367.9), dbSNP rs1467649797, ClinGen allele CA412891341.

ClinVar aggregate classification (germline): Uncertain significance. Review status: criteria provided, multiple submitters, no conflicts (2 of 4 stars). 4 submissions from 4 submitters: Uncertain significance (4). Last evaluated 2023-08-04.

Conditions:
Renpenning syndrome. Also called: SUTHERLAND-HAAN X-LINKED MENTAL RETARDATION SYNDROME; Mental retardation, X-linked Renpenning type; X-linked mental retardation with spastic diplegia; X-linked mental retardation syndromic 3; Sutherland-Haan syndrome; GOLABI-ITO-HALL SYNDROME. Identifiers: Orphanet 3242, MedGen C0796135, MONDO:0010653, OMIM 309500.

Allele frequency attached by ClinVar (database versions not stated): TOPMed 0.00001; gnomAD exomes 0.00002; gnomAD 0.00003.

Submissions (4):

Labcorp Genetics (formerly Invitae), Labcorp
Classification: Uncertain significance. Last evaluated: 2023-08-04. Review status: criteria provided, single submitter. Criteria: Invitae Variant Classification Sherloc (09022015). Collection method: clinical testing. Allele origin: germline.
Comment: This sequence change replaces arginine, which is basic and polar, with tryptophan, which is neutral and slightly polar, at codon 214 of the PQBP1 protein (p.Arg214Trp). The frequency data for this variant in the population databases is considered unreliable, as metrics indicate poor data quality at this position in the gnomAD database. This missense change has been observed in individual(s) with clinical features of PQBP1-related conditions (PMID: 32903913). ClinVar contains an entry for this variant (Variation ID: 1308367). An algorithm developed to predict the effect of missense changes on protein structure and function (PolyPhen-2) suggests that this variant is likely to be tolerated. In summary, the available evidence is currently insufficient to determine the role of this variant in disease. Therefore, it has been classified as a Variant of Uncertain Significance.

Fulgent Genetics
Classification: Uncertain significance for Renpenning syndrome. Last evaluated: 2022-04-20. Review status: criteria provided, single submitter. Criteria: ACMG Guidelines, 2015. Collection method: clinical testing. Allele origin: unknown.

Revvity Omics, Revvity
Classification: Uncertain significance for Renpenning syndrome. Last evaluated: 2019-12-24. Review status: criteria provided, single submitter. Criteria: ACMG Guidelines, 2015. Collection method: clinical testing. Allele origin: germline.

GeneDx
Classification: Uncertain significance. Last evaluated: 2019-03-28. Review status: criteria provided, single submitter. Criteria: GeneDx Variant Classification Process June 2021. Collection method: clinical testing. Allele origin: germline. Affected: yes.
Comment: In silico analysis, which includes protein predictors and evolutionary conservation, supports a deleterious effect; Has not been previously published as pathogenic or benign to our knowledge; This variant is associated with the following publications: (PMID: 32903913)

Literature cited by the submitters: PubMed 32903913 (cited by Labcorp Genetics (formerly Invitae), Labcorp).